The following is an entry in ClinVar:

ClinVar aggregate classification (germline): Uncertain significance. Review status: criteria provided, multiple submitters, no conflicts (2 of 4 stars). 2 submissions from 2 submitters: Uncertain significance (2). Last evaluated 2024-09-03.

Conditions:
Hereditary cancer-predisposing syndrome. Also called: Neoplastic Syndromes, Hereditary; Tumor predisposition; Hereditary Cancer Syndrome; Hereditary neoplastic syndrome. Identifiers: Orphanet 140162, MedGen C0027672, MeSH D009386, MONDO:0015356.

gnomAD v4.1: 2 of 1,607,682 alleles (0.00012%); highest among the groups gnomAD compares: Non-Finnish European, 0.00017%; no homozygotes.

Submissions (2):

Ambry Genetics
Classification: Uncertain significance for Hereditary cancer-predisposing syndrome. Last evaluated: 2024-09-03. Review status: criteria provided, single submitter. Criteria: Ambry Variant Classification Scheme 2023. Collection method: clinical testing. Allele origin: germline.
Comment: The p.I52T variant (also known as c.155T>C), located in coding exon 2 of the RAD50 gene, results from a T to C substitution at nucleotide position 155. The isoleucine at codon 52 is replaced by threonine, an amino acid with similar properties. This amino acid position is conserved. In addition, this alteration is predicted to be tolerated by in silico analysis. Based on the available evidence, the clinical significance of this variant remains unclear.

Quest Diagnostics Nichols Institute San Juan Capistrano
Classification: Uncertain significance. Last evaluated: 2024-05-20. Review status: criteria provided, single submitter. Criteria: Quest Diagnostics criteria. Collection method: clinical testing. Allele origin: unknown.
Comment: The RAD50 c.155T>C (p.Ile52Thr) variant has not been reported in individuals with RAD50-related conditions in the published literature. It also has not been reported in large, multi-ethnic general populations (Genome Aggregation Database). Analysis of this variant using bioinformatics tools for the prediction of the effect of amino acid changes on protein structure and function yielded predictions that this variant is benign. Based on the available information, we are unable to determine the clinical significance of this variant.

NM_005732.4(RAD50):c.155T>C (p.Ile52Thr)

Gene: RAD50 (RAD50 double strand break repair protein; plus strand). Cytogenetic location: 5q31.1.
Variant type: single nucleotide variant.
Coding change: c.155T>C on transcript NM_005732.4 (MANE Select); coding-DNA position 155, T replaced by C.
Protein change: p.Ile52Thr; replaces isoleucine 52 with threonine.
Molecular consequence: missense variant.
Genome position (GRCh38, 1-based): chr5:132,559,309, T>C. VCF-style: chr5-132559309-T-C. GRCh37 (hg19) VCF-style: chr5-131895001-T-C.
Other names: short protein forms I52T.
Identifiers: ClinVar variation 3429464 (VCV003429464.2).